The following is an entry in ClinVar:

ClinVar aggregate classification (germline): Uncertain significance (1 of 4 stars; one submission).

Conditions:
Catecholaminergic polymorphic ventricular tachycardia 1. Also called: VENTRICULAR TACHYCARDIA, STRESS-INDUCED POLYMORPHIC 1; VENTRICULAR TACHYCARDIA, CATECHOLAMINERGIC POLYMORPHIC, 1, WITH OR WITHOUT ATRIAL DYSFUNCTION AND/OR DILATED CARDIOMYOPATHY; RYR2-Related Catecholaminergic Polymorphic Ventricular Tachycardia. Identifiers: Orphanet 3286, MedGen C1631597, MONDO:0011484, OMIM 604772.

Allele frequency attached by ClinVar (database versions not stated): ESP Exome Variant Server 0.00008.
gnomAD v4.1: 2 of 1,583,854 alleles (0.00013%); highest among the groups gnomAD compares: Non-Finnish European, 0.00017%; no homozygotes.

Submission:

Labcorp Genetics (formerly Invitae), Labcorp
Classification: Uncertain significance for Catecholaminergic polymorphic ventricular tachycardia 1. Last evaluated: 2022-08-07. Review status: criteria provided, single submitter. Criteria: Invitae Variant Classification Sherloc (09022015). Collection method: clinical testing. Allele origin: germline.
Comment: In summary, the available evidence is currently insufficient to determine the role of this variant in disease. Therefore, it has been classified as a Variant of Uncertain Significance. Advanced modeling of protein sequence and biophysical properties (such as structural, functional, and spatial information, amino acid conservation, physicochemical variation, residue mobility, and thermodynamic stability) performed at Invitae indicates that this missense variant is expected to disrupt RYR2 protein function. This variant has not been reported in the literature in individuals affected with RYR2-related conditions. This variant is present in population databases (rs373148638, gnomAD 0.0009%). This sequence change replaces glycine, which is neutral and non-polar, with glutamic acid, which is acidic and polar, at codon 385 of the RYR2 protein (p.Gly385Glu).

NM_001035.3(RYR2):c.1154G>A (p.Gly385Glu)

Gene: RYR2 (ryanodine receptor 2; plus strand). Cytogenetic location: 1q43.
Variant type: single nucleotide variant.
Coding change: c.1154G>A on transcript NM_001035.3 (MANE Select); coding-DNA position 1154, G replaced by A.
Protein change: p.Gly385Glu; replaces glycine 385 with glutamic acid.
Molecular consequence: missense variant.
Genome position (GRCh38, 1-based): chr1:237,441,467, G>A. VCF-style: chr1-237441467-G-A. GRCh37 (hg19) VCF-style: chr1-237604767-G-A.
Other names: short protein forms G385E.
Identifiers: ClinVar variation 2172599 (VCV002172599.4), dbSNP rs373148638, ClinGen allele CA39778302.